The following is an entry in ClinVar:

ClinVar aggregate classification (germline): Uncertain significance (1 of 4 stars; one submission).

gnomAD v4.1: 3 of 1,613,700 alleles (0.00019%); highest among the groups gnomAD compares: Non-Finnish European, 0.00025%; no homozygotes.

Submission:

Ambry Genetics
Classification: Uncertain significance. Last evaluated: 2026-06-24. Review status: criteria provided, single submitter. Criteria: Ambry Variant Classification Scheme 2023. Collection method: clinical testing. Allele origin: germline.
Comment: The p.E1397D variant (also known as c.4191A>C), located in coding exon 38 of the KIF1B gene, results from an A to C substitution at nucleotide position 4191. The glutamic acid at codon 1397 is replaced by aspartic acid, an amino acid with highly similar properties. This amino acid position is conserved. In addition, the in silico prediction for this alteration is inconclusive. Based on the available evidence, the clinical significance of this variant remains unclear.

NM_001365951.3(KIF1B):c.4329A>C (p.Glu1443Asp)

Gene: KIF1B (kinesin family member 1B; plus strand). Cytogenetic location: 1p36.22.
Variant type: single nucleotide variant.
Coding change: c.4329A>C on transcript NM_001365951.3 (MANE Select); coding-DNA position 4329, A replaced by C.
Protein change: p.Glu1443Asp; replaces glutamic acid 1443 with aspartic acid.
Molecular consequence: missense variant.
Genome position (GRCh38, 1-based): chr1:10,363,307, A>C. VCF-style: chr1-10363307-A-C. GRCh37 (hg19) VCF-style: chr1-10423365-A-C.
Other names: c.4329A>C, p.Glu1443Asp (NM_001365952.1); c.4191A>C, p.Glu1397Asp (NM_015074.3); short protein forms E1397D, E1443D.
Identifiers: ClinVar variation 5023166 (VCV005023166.1).